The following is an entry in ClinVar:

NM_000836.4(GRIN2D):c.1581+5G>T

Gene: GRIN2D (glutamate ionotropic receptor NMDA type subunit 2D; plus strand). Cytogenetic location: 19q13.33.
Variant type: single nucleotide variant.
Coding change: c.1581+5G>T on transcript NM_000836.4 (MANE Select); 5 bases into the intron after coding-DNA position 1581, G replaced by T.
Molecular consequence: intron variant.
Genome position (GRCh38, 1-based): chr19:48,415,037, G>T. VCF-style: chr19-48415037-G-T. GRCh37 (hg19) VCF-style: chr19-48918294-G-T.
Other names: NC_000019.9:g.48918294G>T.
Identifiers: ClinVar variation 1312958 (VCV001312958.3), dbSNP rs1258193242, ClinGen allele CA2573054801.

ClinVar aggregate classification (germline): Uncertain significance (1 of 4 stars; one submission).

Submissions (2):

GeneDx
Classification: Uncertain significance. Last evaluated: 2020-07-20. Review status: criteria provided, single submitter. Criteria: GeneDx Variant Classification Process June 2021. Collection method: clinical testing. Allele origin: germline. Affected: yes.
Comment: Not observed in large population cohorts (Lek et al., 2016); In silico analysis supports a deleterious effect on splicing; Has not been previously published as pathogenic or benign to our knowledge

Dr. Peter K. Rogan Lab, Western University
No classification provided (evidence only). Condition: Gastric cancer. Review status: no classification provided. Collection method: in vitro. Allele origin: not applicable. Functional consequence: retained intron. Not counted in ClinVar's aggregate classification.